The following is an entry in ClinVar:

NM_006766.5(KAT6A):c.2864C>T (p.Pro955Leu)

Gene: KAT6A (lysine acetyltransferase 6A; minus strand). Cytogenetic location: 8p11.21.
Variant type: single nucleotide variant.
Coding change: c.2864C>T on transcript NM_006766.5 (MANE Select); coding-DNA position 2864, C replaced by T.
Protein change: p.Pro955Leu; replaces proline 955 with leucine.
Molecular consequence: missense variant.
Genome position (GRCh38, 1-based): chr8:41,941,017, G>A on the plus strand (C>T on the coding strand, the complement: KAT6A is on the minus strand). VCF-style: chr8-41941017-G-A. GRCh37 (hg19) VCF-style: chr8-41798535-G-A.
Other names: short protein forms P955L.
Identifiers: ClinVar variation 710644 (VCV000710644.44), dbSNP rs761588463, ClinGen allele CA4729824.

ClinVar aggregate classification (germline): Likely benign. Review status: criteria provided, multiple submitters, no conflicts (2 of 4 stars). 3 submissions from 3 submitters: Likely benign (3). Last evaluated 2024-08-14.

Allele frequency attached by ClinVar (database versions not stated): TOPMed 0.00001.

Submissions (3):

Labcorp Genetics (formerly Invitae), Labcorp
Classification: Likely benign. Last evaluated: 2024-08-14. Review status: criteria provided, single submitter. Criteria: Invitae Variant Classification Sherloc (09022015). Collection method: clinical testing. Allele origin: germline.

CeGaT Center for Human Genetics Tuebingen
Classification: Likely benign. Last evaluated: 2021-02-01. Review status: criteria provided, single submitter. Criteria: CeGaT Center For Human Genetics Tuebingen Variant Classification Criteria Version 2. Collection method: clinical testing. Allele origin: germline. Affected: yes. Observed: 1 variant allele.

GeneDx
Classification: Likely benign. Last evaluated: 2020-04-06. Review status: criteria provided, single submitter. Criteria: GeneDx Variant Classification Process June 2021. Collection method: clinical testing. Allele origin: germline. Affected: yes.
Comment: In silico analysis supports that this missense variant does not alter protein structure/function; Has not been previously published as pathogenic or benign to our knowledge